The following is an entry in ClinVar:

NM_005276.4(GPD1):c.42G>A (p.Trp14Ter)

Gene: GPD1 (glycerol-3-phosphate dehydrogenase 1; plus strand). Cytogenetic location: 12q13.12.
Variant type: single nucleotide variant.
Coding change: c.42G>A on transcript NM_005276.4 (MANE Select); coding-DNA position 42, G replaced by A.
Protein change: p.Trp14Ter; replaces tryptophan 14 with a stop codon.
Molecular consequence: nonsense.
Genome position (GRCh38, 1-based): chr12:50,104,574, G>A. VCF-style: chr12-50104574-G-A. GRCh37 (hg19) VCF-style: chr12-50498357-G-A.
Other names: c.42G>A, p.Trp14Ter (NM_001257199.2); short protein forms W14*.
Identifiers: ClinVar variation 4265533 (VCV004265533.1).

ClinVar aggregate classification (germline): Likely pathogenic (1 of 4 stars; one submission).

Conditions:
Inborn genetic diseases. Identifiers: MedGen C0950123, MeSH D030342.

Submission:

Ambry Genetics
Classification: Likely pathogenic for Inborn genetic diseases. Last evaluated: 2025-08-08. Review status: criteria provided, single submitter. Criteria: Ambry Variant Classification Scheme 2023. Collection method: clinical testing. Allele origin: germline.
Comment: The c.42G>A (p.W14*) alteration, located in exon 2 (coding exon 2) of the GPD1 gene, consists of a G to A substitution at nucleotide position 42. This changes the amino acid from a tryptophan (W) to a stop codon at amino acid position 14. The predicted stop codon occurs in the 5' end of the GPD1 gene. Premature termination codons in the 5&rsquo; end of a gene have been reported to escape nonsense-mediated mRNA decay and/or lead to re-initiation (Rivas, 2015; Lindeboom, 2016; Rhee, 2017). Direct evidence for this alteration is unavailable; however, premature termination codons are typically deleterious in nature. This variant was not reported in population-based cohorts in the Genome Aggregation Database (gnomAD). Based on the available evidence, this alteration is classified as likely pathogenic.

Literature cited by the submitters: PubMed 25954003; PubMed 27618451; PubMed 28490743.